The following is an entry in ClinVar:

NM_006015.6(ARID1A):c.4561C>T (p.Pro1521Ser)

Gene: ARID1A (AT-rich interaction domain 1A; plus strand). Cytogenetic location: 1p36.11.
Variant type: single nucleotide variant.
Coding change: c.4561C>T on transcript NM_006015.6 (MANE Select); coding-DNA position 4561, C replaced by T.
Protein change: p.Pro1521Ser; replaces proline 1521 with serine.
Molecular consequence: missense variant. On other transcripts: intron variant (1).
Genome position (GRCh38, 1-based): chr1:26,774,788, C>T. VCF-style: chr1-26774788-C-T. GRCh37 (hg19) VCF-style: chr1-27101279-C-T.
Other names: c.4102-192C>T (NM_139135.4); short protein forms P1521S.
Identifiers: ClinVar variation 2582094 (VCV002582094.2), dbSNP rs1490205916, ClinGen allele CA339176565.
Genomic context (GRCh38, chr1:26,774,788, plus strand): 5'-CGTAATGACATGACCTATAATTATGCCAACAGGCAGAGCACGGGCTCTGCCCCCCAGGGC[C>T]CCGCCTATCATGGCGTGAACCGAACAGATGAAATGCTGCACACAGATCAGAGGGCCAACC-3'
Protein context (NP_006006.3, residues 1511-1531): RQSTGSAPQG[Pro1521Ser]AYHGVNRTDE

ClinVar aggregate classification (germline): Uncertain significance (1 of 4 stars; one submission).

Allele frequency attached by ClinVar (database versions not stated): gnomAD exomes below 0.00001; gnomAD 0.00001; TOPMed 0.00001.
gnomAD v4.1: 2 of 1,614,092 alleles (0.00012%); highest among the groups gnomAD compares: African/African-American, 0.0027%; no homozygotes.

Submission:

GeneDx
Classification: Uncertain significance. Last evaluated: 2024-04-10. Review status: criteria provided, single submitter. Criteria: GeneDx Variant Classification Process June 2021. Collection method: clinical testing. Allele origin: germline. Affected: yes.
Comment: Not observed at significant frequency in large population cohorts (gnomAD); In silico analysis supports that this missense variant has a deleterious effect on protein structure/function; Has not been previously published as pathogenic or benign to our knowledge